The following is an entry in ClinVar:

ClinVar aggregate classification (germline): Uncertain significance (1 of 4 stars; one submission).

Submission:

GeneDx
Classification: Uncertain significance. Last evaluated: 2022-09-01. Review status: criteria provided, single submitter. Criteria: GeneDx Variant Classification Process June 2021. Collection method: clinical testing. Allele origin: germline. Affected: yes.
Comment: Not observed at significant frequency in large population cohorts (gnomAD); Missense variants in this gene are often considered pathogenic (HGMD); In silico analysis supports that this missense variant has a deleterious effect on protein structure/function; Has not been previously published as pathogenic or benign to our knowledge

NM_030662.4(MAP2K2):c.317A>C (p.Glu106Ala)

Gene: MAP2K2 (mitogen-activated protein kinase kinase 2; minus strand). Cytogenetic location: 19p13.3.
Variant type: single nucleotide variant.
Coding change: c.317A>C on transcript NM_030662.4 (MANE Select); coding-DNA position 317, A replaced by C.
Protein change: p.Glu106Ala; replaces glutamic acid 106 with alanine.
Molecular consequence: missense variant.
Genome position (GRCh38, 1-based): chr19:4,110,642, T>G on the plus strand (A>C on the coding strand, the complement: MAP2K2 is on the minus strand). VCF-style: chr19-4110642-T-G. GRCh37 (hg19) VCF-style: chr19-4110640-T-G.
Other names: short protein forms E106A.
Identifiers: ClinVar variation 2442537 (VCV002442537.1), dbSNP rs2041143002, ClinGen allele CA403391758.